The following is an entry in ClinVar:

ClinVar aggregate classification (germline): Benign/Likely benign. Review status: criteria provided, multiple submitters, no conflicts (2 of 4 stars). 3 submissions from 3 submitters: Benign (1); Likely benign (2). Last evaluated 2026-06-03.

Conditions:
Hereditary cancer-predisposing syndrome. Also called: Hereditary neoplastic syndrome; Neoplastic Syndromes, Hereditary; Hereditary Cancer Syndrome; Tumor predisposition. Identifiers: Orphanet 140162, MedGen C0027672, MeSH D009386, MONDO:0015356.
Gastrointestinal stromal tumor. Also called: Gastrointestinal stromal tumor, somatic; Gastrointestinal stroma tumor. Identifiers: Orphanet 44890, MedGen C0238198, MeSH D046152, MONDO:0011719, OMIM 606764, HP:0100723.

gnomAD v4.1: 1 of 1,613,996 alleles (0.000062%); highest among the groups gnomAD compares: South Asian, 0.0011%; no homozygotes.

Submissions (3):

Myriad Genetics, Inc.
Classification: Benign for Gastrointestinal stromal tumor. Last evaluated: 2026-06-03. Review status: criteria provided, single submitter. Criteria: Myriad Autosomal Dominant, Autosomal Recessive and X-Linked Classification Criteria (2023). Collection method: clinical testing. Allele origin: unknown.
Comment: This variant is considered benign. This variant is a silent/synonymous amino acid change and it is not expected to impact splicing.

Labcorp Genetics (formerly Invitae), Labcorp
Classification: Likely benign for Gastrointestinal stromal tumor. Last evaluated: 2025-09-30. Review status: criteria provided, single submitter. Criteria: Invitae Variant Classification Sherloc (09022015). Collection method: clinical testing. Allele origin: germline.

Ambry Genetics
Classification: Likely benign for Hereditary cancer-predisposing syndrome. Last evaluated: 2020-08-25. Review status: criteria provided, single submitter. Criteria: Ambry Variant Classification Scheme 2023. Collection method: clinical testing. Allele origin: germline.

NM_000222.3(KIT):c.1173A>G (p.Thr391=)

Gene: KIT (KIT proto-oncogene, receptor tyrosine kinase; plus strand). Cytogenetic location: 4q12.
Variant type: single nucleotide variant.
Coding change: c.1173A>G on transcript NM_000222.3 (MANE Select); coding-DNA position 1173, A replaced by G.
Protein change: p.Thr391=; no amino-acid change (threonine 391 retained).
Molecular consequence: synonymous variant.
Genome position (GRCh38, 1-based): chr4:54,709,481, A>G. VCF-style: chr4-54709481-A-G. GRCh37 (hg19) VCF-style: chr4-55575647-A-G.
Other names: c.1173A>G, p.Thr391= (NM_001093772.2, NM_001385285.1, NM_001385286.1); c.1176A>G, p.Thr392= (NM_001385284.1, NM_001385288.1, NM_001385290.1 and 1 more transcripts).
Identifiers: ClinVar variation 528665 (VCV000528665.14), dbSNP rs767377458, ClinGen allele CA96857545.